The following is an entry in ClinVar:

NM_000143.4(FH):c.57C>T (p.Ala19=)

Gene: FH (fumarate hydratase; minus strand). Cytogenetic location: 1q43.
Variant type: single nucleotide variant.
Coding change: c.57C>T on transcript NM_000143.4 (MANE Select); coding-DNA position 57, C replaced by T.
Protein change: p.Ala19=; no amino-acid change (alanine 19 retained).
Molecular consequence: synonymous variant.
Genome position (GRCh38, 1-based): chr1:241,519,666, G>A on the plus strand (C>T on the coding strand, the complement: FH is on the minus strand). VCF-style: chr1-241519666-G-A. GRCh37 (hg19) VCF-style: chr1-241682966-G-A.
Identifiers: ClinVar variation 1105578 (VCV001105578.31), dbSNP rs1469317078, ClinGen allele CA424076821.

ClinVar aggregate classification (germline): Benign/Likely benign. Review status: criteria provided, multiple submitters, no conflicts (2 of 4 stars). 4 submissions from 4 submitters: Benign (1); Likely benign (3). Last evaluated 2025-07-08.

Conditions:
Hereditary leiomyomatosis and renal cell cancer. Also called: Reed syndrome; Multiple cutaneous and uterine leiomyomatosis; Cutaneous leiomyomata with uterine leiomyomata; Leiomyoma, hereditary multiple, of skin; Multiple cutaneous and uterine leiomyomata; FH tumor predisposition syndrome. Identifiers: Orphanet 523, MedGen C1708350, MONDO:0007888, OMIM 150800, HP:0007437. Disease mechanism: loss of function.
Hereditary cancer-predisposing syndrome. Also called: Neoplastic Syndromes, Hereditary; Tumor predisposition; Hereditary neoplastic syndrome; Hereditary Cancer Syndrome. Identifiers: Orphanet 140162, MedGen C0027672, MeSH D009386, MONDO:0015356.

Allele frequency attached by ClinVar (database versions not stated): gnomAD exomes below 0.00001; TOPMed 0.00001.
gnomAD v4.1: 2 of 1,547,890 alleles (0.00013%); highest among the groups gnomAD compares: Non-Finnish European, 0.00017%; no homozygotes.

Submissions (4):

Labcorp Genetics (formerly Invitae), Labcorp
Classification: Likely benign. Last evaluated: 2025-07-08. Review status: criteria provided, single submitter. Criteria: Invitae Variant Classification Sherloc (09022015). Collection method: clinical testing. Allele origin: germline.

Myriad Genetics, Inc.
Classification: Benign for Hereditary leiomyomatosis and renal cell cancer. Last evaluated: 2024-10-17. Review status: criteria provided, single submitter. Criteria: Myriad Autosomal Dominant, Autosomal Recessive and X-Linked Classification Criteria (2023). Collection method: clinical testing. Allele origin: unknown.
Comment: This variant is considered benign. This variant is a silent/synonymous amino acid change and it is not expected to impact splicing.

CeGaT Center for Human Genetics Tuebingen
Classification: Likely benign. Last evaluated: 2024-03-01. Review status: criteria provided, single submitter. Criteria: CeGaT Center For Human Genetics Tuebingen Variant Classification Criteria Version 2. Collection method: clinical testing. Allele origin: germline. Affected: yes. Observed: 1 variant allele.
Comment: FH: PM2:Supporting, BP4, BP7

Ambry Genetics
Classification: Likely benign for Hereditary cancer-predisposing syndrome. Last evaluated: 2022-06-24. Review status: criteria provided, single submitter. Criteria: Ambry Variant Classification Scheme 2023. Collection method: clinical testing. Allele origin: germline.